The following is an entry in ClinVar:

NM_000222.3(KIT):c.1991-7C>T

Gene: KIT (KIT proto-oncogene, receptor tyrosine kinase; plus strand). Cytogenetic location: 4q12.
Variant type: single nucleotide variant.
Coding change: c.1991-7C>T on transcript NM_000222.3 (MANE Select); 7 bases into the intron before coding-DNA position 1991, C replaced by T.
Molecular consequence: intron variant.
Genome position (GRCh38, 1-based): chr4:54,729,328, C>T. VCF-style: chr4-54729328-C-T. GRCh37 (hg19) VCF-style: chr4-55595494-C-T.
Other names: c.1994-7C>T (NM_001385284.1, NM_001385290.1); c.1982-7C>T (NM_001385288.1, NM_001385292.1); c.1991-7C>T (NM_001385285.1); c.1979-7C>T (NM_001093772.2, NM_001385286.1).
Identifiers: ClinVar variation 458900 (VCV000458900.15), dbSNP rs370661908, ClinGen allele CA2923628.
Genomic context (GRCh38, chr4:54,729,328, plus strand): 5'-TTTTATGGGAGGCAGAATTAATCTATATATCTCACCTTCTTTCTAACCTTTTCTTATGTG[C>T]TTTTAGGGCCCACCCTGGTCATTACAGAATATTGTTGCTATGGTGATCTTTTGAATTTTT-3'

ClinVar aggregate classification (germline): Likely benign. Review status: criteria provided, multiple submitters, no conflicts (2 of 4 stars). 3 submissions from 3 submitters: Likely benign (2). 1 of the submissions does not count toward it. Last evaluated 2026-05-29.

Conditions:
KIT-related disorder. Also called: KIT-related condition.
Gastrointestinal stromal tumor. Also called: Gastrointestinal stroma tumor; Gastrointestinal stromal tumor, somatic. Identifiers: Orphanet 44890, MedGen C0238198, MeSH D046152, MONDO:0011719, OMIM 606764, HP:0100723.

Allele frequency attached by ClinVar (database versions not stated): ESP Exome Variant Server 0.00008; gnomAD exomes below 0.00001; ExAC 0.00002; gnomAD 0.00003 and 0.00004; TOPMed 0.00003.
gnomAD v4.1: 6 of 1,613,090 alleles (0.00037%); highest among the groups gnomAD compares: African/African-American, 0.008%; no homozygotes.

Submissions (3):

Myriad Genetics, Inc.
Classification: Likely benign for Gastrointestinal stromal tumor. Last evaluated: 2026-05-29. Review status: criteria provided, single submitter. Criteria: Myriad Autosomal Dominant, Autosomal Recessive and X-Linked Classification Criteria (2023). Collection method: clinical testing. Allele origin: unknown.
Comment: This variant is considered likely benign. This variant is intronic and is not expected to impact mRNA splicing.

Labcorp Genetics (formerly Invitae), Labcorp
Classification: Likely benign for Gastrointestinal stromal tumor. Last evaluated: 2025-12-09. Review status: criteria provided, single submitter. Criteria: Invitae Variant Classification Sherloc (09022015). Collection method: clinical testing. Allele origin: germline.

PreventionGenetics, part of Exact Sciences
Classification: Likely benign for KIT-related condition. Last evaluated: 2022-02-24. Review status: no assertion criteria provided. Collection method: clinical testing. Allele origin: germline. Not counted in ClinVar's aggregate classification.
Comment: This variant is classified as likely benign based on ACMG/AMP sequence variant interpretation guidelines (Richards et al. 2015 PMID: 25741868, with internal and published modifications).